The following is an entry in ClinVar:

NM_016335.6(PRODH):c.367C>T (p.Gln123Ter)

Gene: PRODH (proline dehydrogenase 1; minus strand). Cytogenetic location: 22q11.21.
Variant type: single nucleotide variant.
Coding change: c.367C>T on transcript NM_016335.6 (MANE Select); coding-DNA position 367, C replaced by T.
Protein change: p.Gln123Ter; replaces glutamine 123 with a stop codon.
Molecular consequence: nonsense.
Genome position (GRCh38, 1-based): chr22:18,931,105, G>A on the plus strand (C>T on the coding strand, the complement: PRODH is on the minus strand). VCF-style: chr22-18931105-G-A. GRCh37 (hg19) VCF-style: chr22-18918618-G-A.
Other names: c.43C>T, p.Gln15Ter (NM_001195226.2, NM_001368250.2); short protein forms Q15*, Q123*.
Identifiers: ClinVar variation 5006438 (VCV005006438.2).

ClinVar aggregate classification (germline): Likely pathogenic (1 of 4 stars; one submission).

Conditions:
Proline dehydrogenase deficiency (HYRPRO1). Also called: PROLINE OXIDASE DEFICIENCY; Hyperprolinemia type 1. Identifiers: Orphanet 419, MedGen C0268529, MONDO:0009400, OMIM 239500.

Submission:

Juno Genomics, Hangzhou Juno Genomics, Inc
Classification: Likely pathogenic for Proline dehydrogenase deficiency. Review status: criteria provided, single submitter. Criteria: ACMG Guidelines, 2015. Collection method: clinical testing. Allele origin: germline.
Comment: Null variant in a gene where loss of function (LOF) is a known mechanism of disease.;Absent from controls (or at extremely low frequency if recessive) in Genome Aggregation Database.